The following is an entry in ClinVar:

ClinVar aggregate classification (germline): Uncertain significance. Review status: criteria provided, single submitter (1 of 4 stars). 2 submissions from 2 submitters: Uncertain significance (1). 1 of the submissions does not count toward it. Last evaluated 2025-06-23.

Conditions:
Hyaline fibromatosis syndrome (HFS). Also called: HYALINOSIS, SYSTEMIC; Hyalinosis, Inherited Systemic. Identifiers: Orphanet 2028, Orphanet 498474, MedGen C5574677, MONDO:0009229, OMIM 228600.

Submissions (2):

Women's Health and Genetics/Laboratory Corporation of America, LabCorp
Classification: Uncertain significance. Last evaluated: 2025-06-23. Review status: criteria provided, single submitter. Criteria: LabCorp Variant Classification Summary - May 2015. Collection method: clinical testing. Allele origin: germline.
Comment: Variant summary: ANTXR2 c.1148G>A (p.Gly383Asp) results in a non-conservative amino acid change in the encoded protein sequence. Algorithms developed to predict the effect of missense changes on protein structure and function all suggest that this variant is likely to be disruptive. The variant was absent in 246654 control chromosomes. The available data on variant occurrences in the general population are insufficient to allow any conclusion about variant significance. To our knowledge, no occurrence of c.1148G>A in individuals affected with Hyaline Fibromatosis Syndrome and no experimental evidence demonstrating its impact on protein function have been reported. ClinVar contains an entry for this variant (Variation ID: 266112). Based on the evidence outlined above, the variant was classified as uncertain significance.

Diagnostics Division, CENTRE FOR DNA FINGERPRINTING AND DIAGNOSTICS
Classification: Likely pathogenic for Hyaline fibromatosis syndrome. Last evaluated: 2015-01-01. Review status: no assertion criteria provided. Collection method: research. Allele origin: unknown. Affected: yes. Observed: 1 homozygote. Not counted in ClinVar's aggregate classification.
Comment: Missense variant

NM_058172.6(ANTXR2):c.1148G>A (p.Gly383Asp)

Gene: ANTXR2 (ANTXR cell adhesion molecule 2; minus strand). Cytogenetic location: 4q21.21.
Variant type: single nucleotide variant.
Coding change: c.1148G>A on transcript NM_058172.6 (MANE Select); coding-DNA position 1148, G replaced by A.
Protein change: p.Gly383Asp; replaces glycine 383 with aspartic acid.
Molecular consequence: missense variant.
Genome position (GRCh38, 1-based): chr4:79,983,909, C>T on the plus strand (G>A on the coding strand, the complement: ANTXR2 is on the minus strand). VCF-style: chr4-79983909-C-T. GRCh37 (hg19) VCF-style: chr4-80905063-C-T.
Other names: c.1148G>A, p.Gly383Asp (NM_001145794.2); c.917G>A, p.Gly306Asp (NM_001286780.2, NM_001286781.2); short protein forms G383D, G306D.
Identifiers: ClinVar variation 266112 (VCV000266112.4), dbSNP rs886039907, ClinGen allele CA10588987.
Genomic context (GRCh38, chr4:79,983,909, plus strand): 5'-CAGCTTCTATTTTTTTTTAAGATACCAACCTCCATTCTTTTAATTCCTCCAACCCCTCGA[C>T]CACCATAATAGGAAGCATCCACAGTTGGCCACTTTTTAGTAGGCAAAGGTTCTTCTTCCT-3'
Protein context (NP_477520.2, residues 373-393): WPTVDASYYG[Gly383Asp]RGVGGIKRME